The following is an entry in ClinVar:

NM_002334.4(LRP4):c.4759G>T (p.Gly1587Cys)

Genes: LRP4 (LDL receptor related protein 4; minus strand), LRP4-AS1 (LRP4 antisense RNA 1; plus strand). Cytogenetic location: 11p11.2.
Variant type: single nucleotide variant.
Coding change: c.4759G>T on transcript NM_002334.4 (MANE Select); coding-DNA position 4759, G replaced by T.
Protein change: p.Gly1587Cys; replaces glycine 1587 with cysteine.
Molecular consequence: missense variant.
Genome position (GRCh38, 1-based): chr11:46,869,066, C>A on the plus strand (G>T on the coding strand, the complement: LRP4 is on the minus strand). VCF-style: chr11-46869066-C-A. GRCh37 (hg19) VCF-style: chr11-46890617-C-A.
Other names: short protein forms G1587C.
Identifiers: ClinVar variation 1972720 (VCV001972720.4), dbSNP rs2539714015, ClinGen allele CA380264132.
Genomic context (GRCh38, chr11:46,869,066, plus strand): 5'-AAACCACGATGATATCCATGAGTCCTTCCACATTTGCCAGCACTGTCTCCTTGTTCCGGC[C>A]TGAGTATTTGTCAACACGCTGGATTGACTTGGTCTGCCAGTCTGTCCAGTAGATCCACCT-3'
Protein context (NP_002325.2, residues 1577-1597): KSIQRVDKYS[Gly1587Cys]RNKETVLANV

ClinVar aggregate classification (germline): Uncertain significance (1 of 4 stars; one submission).

Conditions:
Sclerosteosis 2 (SOST2). Identifiers: Orphanet 3152, MedGen C3280402, MONDO:0013679, OMIM 614305.
Cenani-Lenz syndactyly syndrome. Also called: CENANI SYNDACTYLISM; SYNDACTYLY, TYPE VII. Identifiers: Orphanet 3258, MedGen C1859309, MONDO:0008931, OMIM 212780.
Congenital myasthenic syndrome 17. Identifiers: Orphanet 590, MedGen C4225377, MONDO:0014578, OMIM 616304.

Submission:

Labcorp Genetics (formerly Invitae), Labcorp
Classification: Uncertain significance for Cenani-Lenz syndactyly syndrome; Sclerosteosis 2; Congenital myasthenic syndrome 17. Last evaluated: 2023-10-03. Review status: criteria provided, single submitter. Criteria: Invitae Variant Classification Sherloc (09022015). Collection method: clinical testing. Allele origin: germline.
Comment: This sequence change replaces glycine, which is neutral and non-polar, with cysteine, which is neutral and slightly polar, at codon 1587 of the LRP4 protein (p.Gly1587Cys). This variant is not present in population databases (gnomAD no frequency). This variant has not been reported in the literature in individuals affected with LRP4-related conditions. ClinVar contains an entry for this variant (Variation ID: 1972720). Advanced modeling of protein sequence and biophysical properties (such as structural, functional, and spatial information, amino acid conservation, physicochemical variation, residue mobility, and thermodynamic stability) performed at Invitae indicates that this missense variant is not expected to disrupt LRP4 protein function. In summary, the available evidence is currently insufficient to determine the role of this variant in disease. Therefore, it has been classified as a Variant of Uncertain Significance.